The following is an entry in ClinVar:

NM_012335.4(MYO1F):c.993C>T (p.Gly331=)

Gene: MYO1F (myosin IF; minus strand). Cytogenetic location: 19p13.2.
Variant type: single nucleotide variant.
Coding change: c.993C>T on transcript NM_012335.4 (MANE Select); coding-DNA position 993, C replaced by T.
Protein change: p.Gly331=; no amino-acid change (glycine 331 retained).
Molecular consequence: synonymous variant.
Genome position (GRCh38, 1-based): chr19:8,550,268, G>A on the plus strand (C>T on the coding strand, the complement: MYO1F is on the minus strand). VCF-style: chr19-8550268-G-A. GRCh37 (hg19) VCF-style: chr19-8615152-G-A.
Other names: NC_000019.9:g.8615152G>A; c.981C>T, p.Gly327= (NM_001348355.2).
Identifiers: ClinVar variation 679031 (VCV000679031.7), dbSNP rs34507143, ClinGen allele CA9159466.
Genomic context (GRCh38, chr19:8,550,268, plus strand): 5'-ATCACGGGTGTAGGCTGCCTGCTCCACGTTGAGGGTCACATTGATGGACTCGCTGCGCCC[G>A]CCCCAGCGGCTGTCCATCTTGCGGCTGGTCAGCTTCTCCTGCAGTCGCCCGCTGTCAATG-3'
Protein context (NP_036467.2, residues 321-341): LTSRKMDSRW[Gly331=]GRSESINVTL

ClinVar aggregate classification (germline): Benign. Review status: criteria provided, multiple submitters, no conflicts (2 of 4 stars). 3 submissions from 3 submitters: Benign (3). Last evaluated 2019-12-31.

Allele frequency attached by ClinVar (database versions not stated): gnomAD exomes 0.00322; ExAC 0.00362; ESP Exome Variant Server 0.00880; gnomAD 0.00985 and 0.01015; TOPMed 0.01042; 1000 Genomes Project 0.01538; 1000 Genomes Project 30x 0.01686.
gnomAD v4.1: 3,369 of 1,614,146 alleles (0.21%); highest among the groups gnomAD compares: African/African-American, 3.2%; 55 homozygotes.

Submissions (15):

Labcorp Genetics (formerly Invitae), Labcorp
Classification: Benign. Last evaluated: 2019-12-31. Review status: criteria provided, single submitter. Criteria: Invitae Variant Classification Sherloc (09022015). Collection method: clinical testing. Allele origin: germline.

GeneDx
Classification: Benign. Last evaluated: 2018-04-13. Review status: criteria provided, single submitter. Criteria: GeneDx Variant Classification (06012015). Collection method: clinical testing. Allele origin: germline. Affected: yes.
Comment: This variant is considered likely benign or benign based on one or more of the following criteria: it is a conservative change, it occurs at a poorly conserved position in the protein, it is predicted to be benign by multiple in silico algorithms, and/or has population frequency not consistent with disease.

Breakthrough Genomics
Classification: Benign. Review status: criteria provided, single submitter. Criteria: ACMG Guidelines, 2015. Collection method: not provided. Allele origin: germline. Inheritance: Unknown mechanism. Affected: yes.

Dr. Peter K. Rogan Lab, Western University
No classification provided (evidence only). Condition: Lung cancer. Review status: no classification provided. Collection method: in vitro. Allele origin: not applicable. Functional consequence: retained intron. Not counted in ClinVar's aggregate classification.

Dr. Peter K. Rogan Lab, Western University
No classification provided (evidence only). Condition: Acute myeloid leukemia. Review status: no classification provided. Collection method: in vitro. Allele origin: not applicable. Functional consequence: skipped exon, retained intron. Not counted in ClinVar's aggregate classification.

Dr. Peter K. Rogan Lab, Western University
No classification provided (evidence only). Condition: Uterine corpus endometrial carcinoma. Review status: no classification provided. Collection method: in vitro. Allele origin: not applicable. Functional consequence: retained intron. Not counted in ClinVar's aggregate classification.

Dr. Peter K. Rogan Lab, Western University
No classification provided (evidence only). Condition: Uterine corpus endometrial carcinoma. Review status: no classification provided. Collection method: in vitro. Allele origin: not applicable. Functional consequence: retained intron. Not counted in ClinVar's aggregate classification.

Dr. Peter K. Rogan Lab, Western University
No classification provided (evidence only). Condition: Uterine corpus endometrial carcinoma. Review status: no classification provided. Collection method: in vitro. Allele origin: not applicable. Functional consequence: retained intron. Not counted in ClinVar's aggregate classification.

Dr. Peter K. Rogan Lab, Western University
No classification provided (evidence only). Condition: Uterine corpus endometrial carcinoma. Review status: no classification provided. Collection method: in vitro. Allele origin: not applicable. Functional consequence: retained intron. Not counted in ClinVar's aggregate classification.

Dr. Peter K. Rogan Lab, Western University
No classification provided (evidence only). Condition: Cervical cancer. Review status: no classification provided. Collection method: in vitro. Allele origin: not applicable. Functional consequence: retained intron. Not counted in ClinVar's aggregate classification.

Dr. Peter K. Rogan Lab, Western University
No classification provided (evidence only). Condition: Cervical cancer. Review status: no classification provided. Collection method: in vitro. Allele origin: not applicable. Functional consequence: retained intron. Not counted in ClinVar's aggregate classification.

Dr. Peter K. Rogan Lab, Western University
No classification provided (evidence only). Condition: Malignant lymphoma, large B-cell, diffuse. Review status: no classification provided. Collection method: in vitro. Allele origin: not applicable. Functional consequence: retained intron. Not counted in ClinVar's aggregate classification.

Dr. Peter K. Rogan Lab, Western University
No classification provided (evidence only). Condition: Hepatocellular carcinoma. Review status: no classification provided. Collection method: in vitro. Allele origin: not applicable. Functional consequence: retained intron. Not counted in ClinVar's aggregate classification.

Dr. Peter K. Rogan Lab, Western University
No classification provided (evidence only). Condition: Hepatocellular carcinoma. Review status: no classification provided. Collection method: in vitro. Allele origin: not applicable. Functional consequence: retained intron. Not counted in ClinVar's aggregate classification.

Dr. Peter K. Rogan Lab, Western University
No classification provided (evidence only). Condition: Ovarian serous cystadenocarcinoma. Review status: no classification provided. Collection method: in vitro. Allele origin: not applicable. Functional consequence: retained intron. Not counted in ClinVar's aggregate classification.